The following is an entry in ClinVar:

NM_001003841.3(SLC6A19):c.532C>T (p.Arg178Ter)

Gene: SLC6A19 (solute carrier family 6 member 19; plus strand). Cytogenetic location: 5p15.33.
Variant type: single nucleotide variant.
Coding change: c.532C>T on transcript NM_001003841.3 (MANE Select); coding-DNA position 532, C replaced by T.
Protein change: p.Arg178Ter; replaces arginine 178 with a stop codon.
Molecular consequence: nonsense.
Genome position (GRCh38, 1-based): chr5:1,212,353, C>T. VCF-style: chr5-1212353-C-T. GRCh37 (hg19) VCF-style: chr5-1212468-C-T.
Other names: short protein forms R178*.
Identifiers: ClinVar variation 917714 (VCV000917714.16), dbSNP rs147837686, ClinGen allele CA3182753.

ClinVar aggregate classification (germline): Pathogenic/Likely pathogenic. Review status: criteria provided, multiple submitters, no conflicts (2 of 4 stars). 7 submissions from 6 submitters: Pathogenic (6); Likely pathogenic (1). Last evaluated 2025-11-04.

Conditions:
SLC6A19-related disorder. Also called: SLC6A19-related condition.
Hyperglycinuria. Also called: GLYCINURIA WITH OR WITHOUT OXALATE NEPHROLITHIASIS; GLYCINURIA WITH OR WITHOUT OXALATE UROLITHIASIS; IMINOGLYCINURIA TYPE II. Identifiers: MedGen C0543541, MONDO:0007677, OMIM 138500, HP:0003108.
Neutral 1 amino acid transport defect (HND). Also called: Hartnup disease; HARTNUP DISORDER. Identifiers: Orphanet 2116, MedGen C0018609, MONDO:0009324, OMIM 234500.
Iminoglycinuria. Identifiers: Orphanet 42062, MedGen C0268654, MONDO:0009448, OMIM 242600.

Allele frequency attached by ClinVar (database versions not stated): ExAC 0.00002; gnomAD exomes 0.00005 and 0.00008; TOPMed 0.00027; gnomAD 0.00029 and 0.00031.
gnomAD v4.1: 119 of 1,613,466 alleles (0.0074%); highest among the groups gnomAD compares: African/African-American, 0.068%; no homozygotes.

Submissions (7):

Labcorp Genetics (formerly Invitae), Labcorp
Classification: Pathogenic. Last evaluated: 2025-11-04. Review status: criteria provided, single submitter. Criteria: Invitae Variant Classification Sherloc (09022015). Collection method: clinical testing. Allele origin: germline.
Comment: This sequence change creates a premature translational stop signal (p.Arg178*) in the SLC6A19 gene. It is expected to result in an absent or disrupted protein product. Loss-of-function variants in SLC6A19 are known to be pathogenic (PMID: 15286787, 15286788). This variant is present in population databases (rs147837686, gnomAD 0.04%). This premature translational stop signal has been observed in individual(s) with Hartnup disorder (PMID: 18484095). ClinVar contains an entry for this variant (Variation ID: 917714). For these reasons, this variant has been classified as Pathogenic.

Women's Health and Genetics/Laboratory Corporation of America, LabCorp
Classification: Pathogenic for Neutral 1 amino acid transport defect. Last evaluated: 2024-12-03. Review status: criteria provided, single submitter. Criteria: LabCorp Variant Classification Summary - May 2015. Collection method: clinical testing. Allele origin: germline.
Comment: Variant summary: SLC6A19 c.532C>T (p.Arg178X) results in a premature termination codon, predicted to cause absence of the protein due to nonsense mediated decay, which is a commonly known mechanism for disease. The variant allele was found at a frequency of 7.5e-05 in 251854 control chromosomes. This frequency is not significantly higher than estimated for a pathogenic variant in SLC6A19 causing Hartnup Disease, allowing no conclusion about variant significance. c.532C>T has been reported in the literature in individuals affected with Hartnup disorder (e.g. Azmanov_2008, Kuster_2018). These data indicate that the variant may be associated with disease. In functional analysis using Xenopus leavis oocytes, the variant was found to have impaired leucine uptake (Azmanov_2008).The following publications have been ascertained in the context of this evaluation (PMID: 18484095, 19472175, 28924877). ClinVar contains an entry for this variant (Variation ID: 917714). Based on the evidence outlined above, the variant was classified as pathogenic.

Blueprint Genetics
Classification: Likely pathogenic for SLC6A19-related disorders. Last evaluated: 2024-10-21. Review status: criteria provided, single submitter. Criteria: ACMG Guidelines, 2015. Collection method: clinical testing. Allele origin: germline. Affected: yes. Observed: 5 variant alleles.

Fulgent Genetics
Classification: Pathogenic for Neutral 1 amino acid transport defect. Last evaluated: 2024-05-14. Review status: criteria provided, single submitter. Criteria: ACMG Guidelines, 2015. Collection method: clinical testing. Allele origin: germline.

PreventionGenetics, part of Exact Sciences
Classification: Pathogenic for SLC6A19-related condition. Last evaluated: 2023-03-29. Review status: criteria provided, single submitter. Criteria: ACMG Guidelines, 2015. Collection method: clinical testing. Allele origin: germline.
Comment: The SLC6A19 c.532C>T variant is predicted to result in premature protein termination (p.Arg178*). This variant was reported in an individual with Hartnup disorder (Azmanov et al. 2008. PubMed ID: 18484095; Bröer. 2009. PubMed ID: 19472175). This variant is reported in 0.044% of alleles in individuals of African descent in gnomAD. Nonsense variants in SLC6A19 are expected to be pathogenic. This variant is interpreted as pathogenic.

Dasa
Classification: Pathogenic for Neutral 1 amino acid transport defect. Last evaluated: 2022-01-05. Review status: criteria provided, single submitter. Criteria: ACMG Guidelines, 2015. Collection method: clinical testing. Allele origin: germline. Affected: yes. Observed: 1 variant allele.
Comment: The c.532C>T;p.(Arg178*) variant creates a premature translational stop signal in the SLC6A19 gene. It is expected to result in an absent or disrupted protein product -PVS1. This sequence change has been observed in affected individual(s) and ClinVar contains an entry for this variant (Clinvar ID: 917714; PMID: 18484095; 19472175) - PS4_supporting. Well-established in vitro or in vivo functional studies support a damaging effect on the gene or gene product (PMID: 18484095) - PS3_supporting. The variant is present at low allele frequencies population databases (rs147837686 – gnomAD 0.02827%; ABraOM no frequency) - PM2_supporting. In summary, the currently available evidence indicates that the variant is pathogenic.

Fulgent Genetics
Classification: Pathogenic for Hyperglycinuria; Neutral 1 amino acid transport defect; Iminoglycinuria. Last evaluated: 2021-06-30. Review status: criteria provided, single submitter. Criteria: ACMG Guidelines, 2015. Collection method: clinical testing. Allele origin: unknown.
Comment: This variant has been detected in individual(s) who were sent for testing of Renasight - kidney gene panel.

Literature cited by the submitters: PubMed 15286787 (cited by Labcorp Genetics (formerly Invitae), Labcorp); PubMed 15286788 (cited by Labcorp Genetics (formerly Invitae), Labcorp); PubMed 18484095 (cited by 3 submitters); PubMed 19472175 (cited by Women's Health and Genetics/Laboratory Corporation of America, LabCorp and Dasa); PubMed 28924877 (cited by Women's Health and Genetics/Laboratory Corporation of America, LabCorp).